The following is an entry in ClinVar:

ClinVar aggregate classification (germline): Uncertain significance (1 of 4 stars; one submission).

Submission:

GeneDx
Classification: Uncertain significance. Last evaluated: 2014-09-09. Review status: criteria provided, single submitter. Criteria: GeneDx Variant Classification (06012015). Collection method: clinical testing. Allele origin: germline. Affected: yes.
Comment: c.1850_1851delinsAT: p.Arg617Asn (R617N) in exon 11 of the SCN1A gene (NM_001165963.1). The normal sequence with the bases that are deleted in braces followed by the inserted bases in brackets is: GAGA{GA}[AT]CGCA.A variant of unknown significance has been identified in the SCN1A gene. The c.1850_1851delinsAT variant has not been published as a mutation, nor has it been reported as a benign polymorphism to our knowledge. It was not observed in approximately 6,500 individuals of European and African American ancestry in the NHLBI Exome Sequencing Project, indicating it is not a common benign variant in these populations. The c.1850_1851delinsAT variant results in an in-frame deletion of a single Arginine residue and the insertion of a single Asparagine residue, denoted p.R617N. This variant is a semi-conservative amino acid substitution, which may impact secondary protein structure as these residues differ in some properties. This substitution alters a highly conserved position in the predicted cytoplasmic loop between the first and second homologous domains of the SCN1A protein, and a missense mutation in a nearby residue (S626G) has been reported in association with an SCN1A-related disorder. Additionally, in silico analysis predicts this variant is probably damaging to the protein structure/function. Therefore, based on the currently available information, it is unclear whether this variant is a pathogenic mutation or a rare benign variant. The variant is found in EPILEPSY panel(s).

NM_001165963.4(SCN1A):c.1850_1851delinsAT (p.Arg617Asn)

Gene: SCN1A (sodium voltage-gated channel alpha subunit 1; minus strand). Cytogenetic location: 2q24.3.
Variant type: Indel.
Coding change: c.1850_1851delinsAT on transcript NM_001165963.4 (MANE Select); coding-DNA positions 1850 to 1851, GA replaced by AT.
Protein change: p.Arg617Asn; replaces arginine 617 with asparagine.
Molecular consequence: missense variant. On other transcripts: 5 prime UTR variant (1), non-coding transcript variant (1).
Genome position (GRCh38, 1-based): chr2:166,043,861-166,043,862, TC replaced by AT on the plus strand (GA replaced by AT on the coding strand, the reverse complement: SCN1A is on the minus strand). VCF-style: chr2-166043861-TC-AT. GRCh37 (hg19) VCF-style: chr2-166900371-TC-AT.
Other names: p.R617N:AGA>AAT; c.1850_1851delinsAT, p.Arg617Asn (NM_001165964.3, NM_001202435.3, NM_001353948.2 and 7 more transcripts); c.1847_1848delinsAT, p.Arg616Asn (NM_001353954.2, NM_001353955.2, NM_001353960.2); c.-576_-575delinsAT (NM_001353961.2); short protein forms R616N, R617N.
Identifiers: ClinVar variation 206901 (VCV000206901.1), dbSNP rs796053063, ClinGen allele CA317710.